The following is an entry in ClinVar:

NM_000051.4(ATM):c.1025A>G (p.Lys342Arg)

Gene: ATM (ATM serine/threonine kinase; plus strand). Cytogenetic location: 11q22.3.
Variant type: single nucleotide variant.
Coding change: c.1025A>G on transcript NM_000051.4 (MANE Select); coding-DNA position 1025, A replaced by G.
Protein change: p.Lys342Arg; replaces lysine 342 with arginine.
Molecular consequence: missense variant.
Genome position (GRCh38, 1-based): chr11:108,247,087, A>G. VCF-style: chr11-108247087-A-G. GRCh37 (hg19) VCF-style: chr11-108117814-A-G.
Other names: c.1025A>G, p.Lys342Arg (NM_001351834.2); short protein forms K342R.
Identifiers: ClinVar variation 481154 (VCV000481154.18), dbSNP rs1064794119, ClinGen allele CA382531582.

ClinVar aggregate classification (germline): Uncertain significance. Review status: criteria provided, multiple submitters, no conflicts (2 of 4 stars). 3 submissions from 3 submitters: Uncertain significance (3). Last evaluated 2025-05-17.

Conditions:
Hereditary cancer-predisposing syndrome. Also called: Hereditary neoplastic syndrome; Neoplastic Syndromes, Hereditary; Tumor predisposition; Hereditary Cancer Syndrome. Identifiers: Orphanet 140162, MedGen C0027672, MeSH D009386, MONDO:0015356.
Ataxia-telangiectasia syndrome (AT). Also called: LOUIS-BAR SYNDROME; Cerebello-oculocutaneous telangiectasia; Immunodeficiency with ataxia telangiectasia; AT, COMPLEMENTATION GROUP C; Ataxia-telangiectasia, complementation group D; ATAXIA-TELANGIECTASIA, COMPLEMENTATION GROUP A. Identifiers: Orphanet 100, MedGen C0004135, MONDO:0008840, OMIM 208900.

Allele frequency attached by ClinVar (database versions not stated): TOPMed below 0.00001.

Submissions (3):

Ambry Genetics
Classification: Uncertain significance for Hereditary cancer-predisposing syndrome. Last evaluated: 2025-05-17. Review status: criteria provided, single submitter. Criteria: Ambry Variant Classification Scheme 2023. Collection method: clinical testing. Allele origin: germline.
Comment: The p.K342R variant (also known as c.1025A>G), located in coding exon 7 of the ATM gene, results from an A to G substitution at nucleotide position 1025. The lysine at codon 342 is replaced by arginine, an amino acid with highly similar properties. This amino acid position is highly conserved in available vertebrate species. In addition, the in silico prediction for this alteration is inconclusive. Since supporting evidence is limited at this time, the clinical significance of this alteration remains unclear.

Labcorp Genetics (formerly Invitae), Labcorp
Classification: Uncertain significance for Ataxia-telangiectasia syndrome. Last evaluated: 2025-04-09. Review status: criteria provided, single submitter. Criteria: Invitae Variant Classification Sherloc (09022015). Collection method: clinical testing. Allele origin: germline.
Comment: This sequence change replaces lysine, which is basic and polar, with arginine, which is basic and polar, at codon 342 of the ATM protein (p.Lys342Arg). This variant is not present in population databases (gnomAD no frequency). This variant has not been reported in the literature in individuals affected with ATM-related conditions. ClinVar contains an entry for this variant (Variation ID: 481154). Invitae Evidence Modeling of protein sequence and biophysical properties (such as structural, functional, and spatial information, amino acid conservation, physicochemical variation, residue mobility, and thermodynamic stability) indicates that this missense variant is not expected to disrupt ATM protein function with a negative predictive value of 95%. RNA analysis performed to evaluate the impact of this missense change on mRNA splicing indicates it does not significantly alter splicing (internal data). In summary, the available evidence is currently insufficient to determine the role of this variant in disease. Therefore, it has been classified as a Variant of Uncertain Significance.

Athena Diagnostics
Classification: Uncertain significance. Last evaluated: 2021-05-07. Review status: criteria provided, single submitter. Criteria: Athena Diagnostics criteria. Collection method: clinical testing. Allele origin: unknown.